The following is an entry in ClinVar:

ClinVar aggregate classification (germline): Uncertain significance. Review status: criteria provided, multiple submitters, no conflicts (2 of 4 stars). 7 submissions from 3 submitters: Uncertain significance (7). Last evaluated 2025-02-18.

Conditions:
Achondrogenesis, type IB (ACG1B). Also called: Achondrogenesis Type 1B. Identifiers: Orphanet 932, Orphanet 93298, MedGen C0265274, MONDO:0010966, OMIM 600972.
Diastrophic dysplasia (DTD). Also called: Diastrophic dwarfism. Identifiers: Orphanet 628, MedGen C0220726, MONDO:0009107, OMIM 222600.
Atelosteogenesis type II (AO2). Also called: Neonatal osseous dysplasia 1; NEONATAL OSSEOUS DYSPLASIA I; SLC26A2-Related Atelosteogenesis. Identifiers: Orphanet 56304, MedGen C1850554, MONDO:0009727, OMIM 256050.
Multiple epiphyseal dysplasia type 4 (EDM4). Also called: SLC26A2-Related Multiple Epiphyseal Dysplasia; MULTIPLE EPIPHYSEAL DYSPLASIA WITH BILAYERED PATELLAE; MULTIPLE EPIPHYSEAL DYSPLASIA WITH CLUBFOOT; MULTIPLE EPIPHYSEAL DYSPLASIA, AUTOSOMAL RECESSIVE; Multiple Epiphyseal Dysplasia, Recessive. Identifiers: Orphanet 93307, MedGen C1847593, MONDO:0009189, OMIM 226900.
Inborn genetic diseases. Identifiers: MedGen C0950123, MeSH D030342.
Sulfate transporter-related osteochondrodysplasia. Also called: DTDST-related dysplasias. Identifiers: MedGen CN120497. Disease mechanism: loss of function.

Allele frequency attached by ClinVar (database versions not stated): gnomAD exomes 0.00001; ExAC 0.00002; TOPMed 0.00005; ESP Exome Variant Server 0.00008.
gnomAD v4.1: 43 of 1,613,944 alleles (0.0027%); highest among the groups gnomAD compares: Non-Finnish European, 0.0033%; no homozygotes.

Submissions (7):

Ambry Genetics
Classification: Uncertain significance for Inborn genetic diseases. Last evaluated: 2025-02-18. Review status: criteria provided, single submitter. Criteria: Ambry Variant Classification Scheme 2023. Collection method: clinical testing. Allele origin: germline.

Labcorp Genetics (formerly Invitae), Labcorp
Classification: Uncertain significance for Atelosteogenesis type II; Multiple epiphyseal dysplasia type 4; Achondrogenesis, type IB; Diastrophic dysplasia. Last evaluated: 2023-11-25. Review status: criteria provided, single submitter. Criteria: Invitae Variant Classification Sherloc (09022015). Collection method: clinical testing. Allele origin: germline.
Comment: This sequence change replaces arginine, which is basic and polar, with histidine, which is basic and polar, at codon 582 of the SLC26A2 protein (p.Arg582His). This variant is present in population databases (rs368864462, gnomAD 0.005%). This variant has not been reported in the literature in individuals affected with SLC26A2-related conditions. ClinVar contains an entry for this variant (Variation ID: 906305). Advanced modeling of protein sequence and biophysical properties (such as structural, functional, and spatial information, amino acid conservation, physicochemical variation, residue mobility, and thermodynamic stability) performed at Invitae indicates that this missense variant is not expected to disrupt SLC26A2 protein function with a negative predictive value of 80%. In summary, the available evidence is currently insufficient to determine the role of this variant in disease. Therefore, it has been classified as a Variant of Uncertain Significance.

Illumina Laboratory Services, Illumina
Classification: Uncertain significance for Osteochondrodysplasia. Last evaluated: 2017-04-28. Review status: criteria provided, single submitter. Criteria: ICSL Variant Classification Criteria 13 December 2019. Collection method: clinical testing. Allele origin: germline.

Illumina Laboratory Services, Illumina
Classification: Uncertain significance for Achondrogenesis, type IB. Last evaluated: 2017-04-28. Review status: criteria provided, single submitter. Criteria: ICSL Variant Classification Criteria 13 December 2019. Collection method: clinical testing. Allele origin: germline.

Illumina Laboratory Services, Illumina
Classification: Uncertain significance for Atelosteogenesis type II. Last evaluated: 2017-04-28. Review status: criteria provided, single submitter. Criteria: ICSL Variant Classification Criteria 13 December 2019. Collection method: clinical testing. Allele origin: germline.

Illumina Laboratory Services, Illumina
Classification: Uncertain significance for Diastrophic dysplasia. Last evaluated: 2017-04-28. Review status: criteria provided, single submitter. Criteria: ICSL Variant Classification Criteria 13 December 2019. Collection method: clinical testing. Allele origin: germline.

Illumina Laboratory Services, Illumina
Classification: Uncertain significance for Multiple epiphyseal dysplasia type 4. Last evaluated: 2017-04-28. Review status: criteria provided, single submitter. Criteria: ICSL Variant Classification Criteria 13 December 2019. Collection method: clinical testing. Allele origin: germline.

NM_000112.4(SLC26A2):c.1745G>A (p.Arg582His)

Gene: SLC26A2 (solute carrier family 26 member 2; plus strand). Cytogenetic location: 5q32.
Variant type: single nucleotide variant.
Coding change: c.1745G>A on transcript NM_000112.4 (MANE Select); coding-DNA position 1745, G replaced by A.
Protein change: p.Arg582His; replaces arginine 582 with histidine.
Molecular consequence: missense variant.
Genome position (GRCh38, 1-based): chr5:149,981,338, G>A. VCF-style: chr5-149981338-G-A. GRCh37 (hg19) VCF-style: chr5-149360901-G-A.
Other names: short protein forms R582H.
Identifiers: ClinVar variation 906305 (VCV000906305.7), dbSNP rs368864462, ClinGen allele CA3505484.